The following is an entry in ClinVar:

NM_015141.4(GPD1L):c.751A>G (p.Thr251Ala)

Gene: GPD1L (glycerol-3-phosphate dehydrogenase 1 like; plus strand). Cytogenetic location: 3p22.3.
Variant type: single nucleotide variant.
Coding change: c.751A>G on transcript NM_015141.4 (MANE Select); coding-DNA position 751, A replaced by G.
Protein change: p.Thr251Ala; replaces threonine 251 with alanine.
Molecular consequence: missense variant.
Genome position (GRCh38, 1-based): chr3:32,159,008, A>G. VCF-style: chr3-32159008-A-G. GRCh37 (hg19) VCF-style: chr3-32200500-A-G.
Other names: short protein forms T251A.
Identifiers: ClinVar variation 5022488 (VCV005022488.1).

ClinVar aggregate classification (germline): Uncertain significance (1 of 4 stars; one submission).

Conditions:
Cardiovascular phenotype. Identifiers: MedGen CN230736.

Submission:

Ambry Genetics
Classification: Uncertain significance for Cardiovascular phenotype. Last evaluated: 2026-08-29. Review status: criteria provided, single submitter. Criteria: Ambry Variant Classification Scheme 2023. Collection method: clinical testing. Allele origin: germline.
Comment: The p.T251A variant (also known as c.751A>G), located in coding exon 6 of the GPD1L gene, results from an A to G substitution at nucleotide position 751. The threonine at codon 251 is replaced by alanine, an amino acid with similar properties. This amino acid position is conserved. In addition, this alteration is predicted to be tolerated by in silico analysis. Based on the available evidence, the clinical significance of this variant remains unclear.